The following is an entry in ClinVar:

NM_024334.3(TMEM43):c.905G>A (p.Arg302Lys)

Gene: TMEM43 (transmembrane protein 43; plus strand). Cytogenetic location: 3p25.1.
Variant type: single nucleotide variant.
Coding change: c.905G>A on transcript NM_024334.3 (MANE Select); coding-DNA position 905, G replaced by A.
Protein change: p.Arg302Lys; replaces arginine 302 with lysine.
Molecular consequence: missense variant.
Genome position (GRCh38, 1-based): chr3:14,139,202, G>A. VCF-style: chr3-14139202-G-A. GRCh37 (hg19) VCF-style: chr3-14180702-G-A.
Other names: c.905G>A (NM_024334.2); short protein forms R302K.
Identifiers: ClinVar variation 1408369 (VCV001408369.7), dbSNP rs539945827, ClinGen allele CA056219.

ClinVar aggregate classification (germline): Conflicting classifications of pathogenicity. Review status: criteria provided, conflicting classifications (1 of 4 stars). 2 submissions from 2 submitters: Uncertain significance (1); Likely benign (1). Last evaluated 2025-02-27.

Conditions:
Arrhythmogenic right ventricular dysplasia 5. Also called: ARRHYTHMOGENIC RIGHT VENTRICULAR DYSPLASIA, FAMILIAL, 5; Arrhythmogenic Right Ventricular Dysplasia/Cardiomyopathy 5. Identifiers: MedGen C1858379, MONDO:0011459, OMIM 604400.
Cardiovascular phenotype. Identifiers: MedGen CN230736.

gnomAD v4.1: 2 of 1,614,078 alleles (0.00012%); highest among the groups gnomAD compares: South Asian, 0.0011%; no homozygotes.

Submissions (2):

Ambry Genetics
Classification: Likely benign for Cardiovascular phenotype. Last evaluated: 2025-02-27. Review status: criteria provided, single submitter. Criteria: Ambry Variant Classification Scheme 2023. Collection method: clinical testing. Allele origin: germline.

Labcorp Genetics (formerly Invitae), Labcorp
Classification: Uncertain significance for Arrhythmogenic right ventricular dysplasia 5. Last evaluated: 2021-09-14. Review status: criteria provided, single submitter. Criteria: Invitae Variant Classification Sherloc (09022015). Collection method: clinical testing. Allele origin: germline.
Comment: This variant has not been reported in the literature in individuals affected with TMEM43-related conditions. Algorithms developed to predict the effect of missense changes on protein structure and function output the following: SIFT: "Tolerated"; PolyPhen-2: "Benign"; Align-GVGD: "Class C0". The lysine amino acid residue is found in multiple mammalian species, which suggests that this missense change does not adversely affect protein function. In summary, the available evidence is currently insufficient to determine the role of this variant in disease. Therefore, it has been classified as a Variant of Uncertain Significance. This variant is present in population databases (rs539945827, ExAC 0.006%). This sequence change replaces arginine with lysine at codon 302 of the TMEM43 protein (p.Arg302Lys). The arginine residue is weakly conserved and there is a small physicochemical difference between arginine and lysine.